The following is an entry in ClinVar:

NM_001917.5(DAO):c.869G>A (p.Arg290Gln)

Gene: DAO (D-amino acid oxidase; plus strand). Cytogenetic location: 12q24.11.
Variant type: single nucleotide variant.
Coding change: c.869G>A on transcript NM_001917.5 (MANE Select); coding-DNA position 869, G replaced by A.
Protein change: p.Arg290Gln; replaces arginine 290 with glutamine.
Molecular consequence: missense variant.
Genome position (GRCh38, 1-based): chr12:108,899,432, G>A. VCF-style: chr12-108899432-G-A. GRCh37 (hg19) VCF-style: chr12-109293208-G-A.
Other names: c.869G>A, p.Arg290Gln (NM_001413634.1); c.751G>A, p.Gly251Ser (NM_001413635.1); short protein forms G251S, R290Q.
Identifiers: ClinVar variation 2634586 (VCV002634586.1), dbSNP rs372560295, ClinGen allele CA6771270.

ClinVar aggregate classification (germline): Uncertain significance (1 of 4 stars; one submission).

Conditions:
DAO-related disorder. Also called: DAO-related condition.

Allele frequency attached by ClinVar (database versions not stated): gnomAD exomes 0.00002; ExAC 0.00003; gnomAD 0.00003; TOPMed 0.00003; ESP Exome Variant Server 0.00008.
gnomAD v4.1: 37 of 1,613,640 alleles (0.0023%); highest among the groups gnomAD compares: South Asian, 0.022%; 1 homozygote.

Submission:

PreventionGenetics, part of Exact Sciences
Classification: Uncertain significance for DAO-related condition. Last evaluated: 2022-11-22. Review status: criteria provided, single submitter. Criteria: ACMG Guidelines, 2015. Collection method: clinical testing. Allele origin: germline.
Comment: The DAO c.869G>A variant is predicted to result in the amino acid substitution p.Arg290Gln. This variant has been reported in both affected patients and unaffected controls in a study of Chinese individuals with amyotrophic lateral sclerosis (see Tables S14 and S15 in Chen et al. 2022. PubMed ID: 34544842). This variant is reported in 0.026% of alleles in individuals of South Asian descent in gnomAD. At this time, the clinical significance of this variant is uncertain due to the absence of conclusive functional and genetic evidence.